The following is an entry in ClinVar:

ClinVar aggregate classification (germline): Uncertain significance (1 of 4 stars; one submission).

Conditions:
Hereditary cancer-predisposing syndrome. Also called: Neoplastic Syndromes, Hereditary; Tumor predisposition; Hereditary neoplastic syndrome; Hereditary Cancer Syndrome. Identifiers: Orphanet 140162, MedGen C0027672, MeSH D009386, MONDO:0015356.

Submission:

Ambry Genetics
Classification: Uncertain significance for Hereditary cancer-predisposing syndrome. Last evaluated: 2019-02-25. Review status: criteria provided, single submitter. Criteria: Ambry Variant Classification Scheme 2023. Collection method: clinical testing. Allele origin: germline.
Comment: The p.L119R variant (also known as c.356T>G), located in coding exon 3 of the RET gene, results from a T to G substitution at nucleotide position 356. The leucine at codon 119 is replaced by arginine, an amino acid with dissimilar properties. This amino acid position is well conserved in available vertebrate species. In addition, this alteration is predicted to be tolerated by in silico analysis. Since supporting evidence is limited at this time, the clinical significance of this alteration remains unclear.

NM_020975.6(RET):c.356T>G (p.Leu119Arg)

Gene: RET (ret proto-oncogene; plus strand). Cytogenetic location: 10q11.21.
Variant type: single nucleotide variant.
Coding change: c.356T>G on transcript NM_020975.6 (MANE Select); coding-DNA position 356, T replaced by G.
Protein change: p.Leu119Arg; replaces leucine 119 with arginine.
Molecular consequence: missense variant.
Genome position (GRCh38, 1-based): chr10:43,102,360, T>G. VCF-style: chr10-43102360-T-G. GRCh37 (hg19) VCF-style: chr10-43597808-T-G.
Other names: c.356T>G, p.Leu119Arg (NM_000323.2, NM_001406743.1, NM_001406744.1 and 16 more transcripts); short protein forms L119R.
Identifiers: ClinVar variation 823944 (VCV000823944.6), dbSNP rs1588863912, ClinGen allele CA376770652.
Genomic context (GRCh38, chr10:43,102,360, plus strand): 5'-AGATGTGGCCGATGCCCCCACAGACCTGACTTCTCTCTGCAGACCGCGGCTTTCCCCTGC[T>G]CACCGTCTACCTCAAGGTCTTCCTGTCACCCACATCCCTTCGTGAGGGCGAGTGCCAGTG-3'
Protein context (NP_066124.1, residues 109-129): LSVRNRGFPL[Leu119Arg]TVYLKVFLSP